The following is an entry in ClinVar:

NM_000548.5(TSC2):c.3654T>C (p.Pro1218=)

Gene: TSC2 (TSC complex subunit 2; plus strand). Cytogenetic location: 16p13.3.
Variant type: single nucleotide variant.
Coding change: c.3654T>C on transcript NM_000548.5 (MANE Select); coding-DNA position 3654, T replaced by C.
Protein change: p.Pro1218=; no amino-acid change (proline 1218 retained).
Molecular consequence: synonymous variant. On other transcripts: non-coding transcript variant (5).
Genome position (GRCh38, 1-based): chr16:2,081,638, T>C. VCF-style: chr16-2081638-T-C. GRCh37 (hg19) VCF-style: chr16-2131639-T-C.
Other names: c.3522T>C, p.Pro1174= (NM_001077183.3, NM_001370404.1, NM_001406665.1); c.3654T>C, p.Pro1218= (NM_001114382.3); c.3414T>C, p.Pro1138= (NM_001318827.2); c.3378T>C, p.Pro1126= (NM_001318829.2); c.2922T>C, p.Pro974= (NM_001318831.2, NM_001406687.1, NM_001406688.1); c.3555T>C, p.Pro1185= (NM_001318832.2); c.3525T>C, p.Pro1175= (NM_001363528.2, NM_001370405.1, NM_021055.3); c.3651T>C, p.Pro1217= (NM_001406663.1, NM_001406664.1); and 18 more.
Identifiers: ClinVar variation 1733621 (VCV001733621.13), dbSNP rs746563588, ClinGen allele CA047988.

ClinVar aggregate classification (germline): Benign/Likely benign. Review status: criteria provided, multiple submitters, no conflicts (2 of 4 stars). 3 submissions from 3 submitters: Benign (1); Likely benign (2). Last evaluated 2025-08-01.

Conditions:
Hereditary cancer-predisposing syndrome. Also called: Hereditary neoplastic syndrome; Tumor predisposition; Neoplastic Syndromes, Hereditary; Hereditary Cancer Syndrome. Identifiers: Orphanet 140162, MedGen C0027672, MeSH D009386, MONDO:0015356.
Tuberous sclerosis 2 (TSC2). Identifiers: Orphanet 805, MedGen C1860707, MONDO:0013199, OMIM 613254.

Allele frequency attached by ClinVar (database versions not stated): TOPMed below 0.00001; ExAC 0.00001; gnomAD 0.00001.
gnomAD v4.1: 1 of 1,612,818 alleles (0.000062%); highest among the groups gnomAD compares: African/African-American, 0.0013%; no homozygotes.

Submissions (3):

CeGaT Center for Human Genetics Tuebingen
Classification: Likely benign. Last evaluated: 2025-08-01. Review status: criteria provided, single submitter. Criteria: CeGaT Center For Human Genetics Tuebingen Variant Classification Criteria Version 2. Collection method: clinical testing. Allele origin: germline. Affected: yes. Observed: 1 variant allele.
Comment: TSC2: BP4, BP7

Labcorp Genetics (formerly Invitae), Labcorp
Classification: Benign for Tuberous sclerosis 2. Last evaluated: 2023-07-13. Review status: criteria provided, single submitter. Criteria: Invitae Variant Classification Sherloc (09022015). Collection method: clinical testing. Allele origin: germline.

Ambry Genetics
Classification: Likely benign for Hereditary cancer-predisposing syndrome. Last evaluated: 2022-01-25. Review status: criteria provided, single submitter. Criteria: Ambry Variant Classification Scheme 2023. Collection method: clinical testing. Allele origin: germline.